The following is an entry in ClinVar:

NM_000552.5(VWF):c.5051C>G (p.Pro1684Arg)

Gene: VWF (von Willebrand factor; minus strand). Cytogenetic location: 12p13.31.
Variant type: single nucleotide variant.
Coding change: c.5051C>G on transcript NM_000552.5 (MANE Select); coding-DNA position 5051, C replaced by G.
Protein change: p.Pro1684Arg; replaces proline 1684 with arginine.
Molecular consequence: missense variant.
Genome position (GRCh38, 1-based): chr12:6,018,367, G>C on the plus strand (C>G on the coding strand, the complement: VWF is on the minus strand). VCF-style: chr12-6018367-G-C. GRCh37 (hg19) VCF-style: chr12-6127533-G-C.
Other names: short protein forms P1684R.
Identifiers: ClinVar variation 2585344 (VCV002585344.1), dbSNP rs765757461, ClinGen allele CA6402416.
Genomic context (GRCh38, chr12:6,018,367, plus strand): 5'-CCAAGGCCATGCCAGCCCTCGCCCAGCCCTCCCACCTGCACACAAGGTGCCAGCATACCA[G>C]GTGCAGGGGAGAGGGTGGGGATCTGCAGCCCCTCTCCGGAGCAGCACCTCTGCAGCACCA-3'
Protein context (NP_000543.3, residues 1674-1694): GLQIPTLSPA[Pro1684Arg]DCSQPLDVIL

ClinVar aggregate classification (germline): Uncertain significance (1 of 4 stars; one submission).

Conditions:
von Willebrand disease type 1 (VWD1). Also called: VON WILLEBRAND DISEASE, TYPE I; VWD, TYPE 1. Identifiers: Orphanet 166078, Orphanet 903, MedGen C1264039, MONDO:0008668, OMIM 193400. Inheritance: autosomal recessive or autosomal dominant.

Allele frequency attached by ClinVar (database versions not stated): ExAC 0.00005.
gnomAD v4.1: 15 of 1,609,704 alleles (0.00093%); highest among the groups gnomAD compares: South Asian, 0.015%; no homozygotes.

Submission:

Neuberg Centre For Genomic Medicine, NCGM
Classification: Uncertain significance for von Willebrand disease type 1. Review status: criteria provided, single submitter. Criteria: ACMG Guidelines, 2015. Collection method: clinical testing. Allele origin: germline. Inheritance: Autosomal dominant inheritance. Affected: yes.
Comment: The missense variant c.5051C>G (p.Pro1684Arg) in VWF gene has not been reported previously as a pathogenic variant nor as a benign variant, to our knowledge. The c.5051C>G (p.Pro1684Arg) variant is reported with the allele frequency (0.002%) in the gnomAD Exomes and is novel (not in any individuals) in 1000 Genomes. This variant has not been reported to the ClinVar database. The amino acid Pro at position 1684 is changed to a Arg changing protein sequence and it might alter its composition and physico-chemical properties. In silico tools predict the variant to be tolerated. The residue is conserved across species. The amino acid change p.Pro1684Arg in VWF is predicted as conserved by GERP++ and PhyloP across 100 vertebrates. For these reasons, this variant has been classified as Variant of Uncertain Significance (VUS).